The following is an entry in ClinVar:

ClinVar aggregate classification (germline): Uncertain significance (1 of 4 stars; one submission).

Submission:

GeneDx
Classification: Uncertain significance. Last evaluated: 2024-08-02. Review status: criteria provided, single submitter. Criteria: GeneDx Variant Classification Process June 2021. Collection method: clinical testing. Allele origin: germline. Affected: yes.
Comment: Not observed at significant frequency in large population cohorts (gnomAD); In silico analysis supports that this missense variant has a deleterious effect on protein structure/function; Has not been previously published as pathogenic or benign to our knowledge

NM_015021.3(ZNF292):c.976A>C (p.Thr326Pro)

Gene: ZNF292 (zinc finger protein 292; plus strand). Cytogenetic location: 6q14.3.
Variant type: single nucleotide variant.
Coding change: c.976A>C on transcript NM_015021.3 (MANE Select); coding-DNA position 976, A replaced by C.
Protein change: p.Thr326Pro; replaces threonine 326 with proline.
Molecular consequence: missense variant.
Genome position (GRCh38, 1-based): chr6:87,245,600, A>C. VCF-style: chr6-87245600-A-C. GRCh37 (hg19) VCF-style: chr6-87955318-A-C.
Other names: c.556A>C, p.Thr186Pro (NM_001351444.2); short protein forms T186P, T326P.
Identifiers: ClinVar variation 3602268 (VCV003602268.1).